The following is an entry in ClinVar:

ClinVar aggregate classification (germline): Uncertain significance. Review status: criteria provided, multiple submitters, no conflicts (2 of 4 stars). 3 submissions from 3 submitters: Uncertain significance (3). Last evaluated 2024-05-21.

gnomAD v4.1: 8 of 1,613,946 alleles (0.0005%); highest among the groups gnomAD compares: South Asian, 0.0011%; no homozygotes.

Submissions (3):

Blueprint Genetics
Classification: Uncertain significance. Last evaluated: 2024-05-21. Review status: criteria provided, single submitter. Criteria: ACMG Guidelines, 2015. Collection method: clinical testing. Allele origin: germline.

Labcorp Genetics (formerly Invitae), Labcorp
Classification: Uncertain significance. Last evaluated: 2022-06-11. Review status: criteria provided, single submitter. Criteria: Invitae Variant Classification Sherloc (09022015). Collection method: clinical testing. Allele origin: germline.
Comment: ClinVar contains an entry for this variant (Variation ID: 657113). This variant has not been reported in the literature in individuals affected with SCN3A-related conditions. This variant is present in population databases (no rsID available, gnomAD 0.003%). This sequence change replaces arginine, which is basic and polar, with tryptophan, which is neutral and slightly polar, at codon 1392 of the SCN3A protein (p.Arg1392Trp). Algorithms developed to predict the effect of missense changes on protein structure and function are either unavailable or do not agree on the potential impact of this missense change (SIFT: "Deleterious"; PolyPhen-2: "Probably Damaging"; Align-GVGD: "Class C0"). In summary, the available evidence is currently insufficient to determine the role of this variant in disease. Therefore, it has been classified as a Variant of Uncertain Significance.

CeGaT Center for Human Genetics Tuebingen
Classification: Uncertain significance. Last evaluated: 2020-12-01. Review status: criteria provided, single submitter. Criteria: CeGaT Center For Human Genetics Tuebingen Variant Classification Criteria Version 2. Collection method: clinical testing. Allele origin: germline. Affected: yes. Observed: 1 variant allele.

NM_006922.4(SCN3A):c.4174C>T (p.Arg1392Trp)

Gene: SCN3A (sodium voltage-gated channel alpha subunit 3; minus strand). Cytogenetic location: 2q24.3.
Variant type: single nucleotide variant.
Coding change: c.4174C>T on transcript NM_006922.4 (MANE Select); coding-DNA position 4174, C replaced by T.
Protein change: p.Arg1392Trp; replaces arginine 1392 with tryptophan.
Molecular consequence: missense variant.
Genome position (GRCh38, 1-based): chr2:165,097,317, G>A on the plus strand (C>T on the coding strand, the complement: SCN3A is on the minus strand). VCF-style: chr2-165097317-G-A. GRCh37 (hg19) VCF-style: chr2-165953827-G-A.
Other names: c.4027C>T, p.Arg1343Trp (NM_001081676.2, NM_001081677.2); short protein forms R1392W, R1343W.
Identifiers: ClinVar variation 657113 (VCV000657113.46), dbSNP rs775485970, ClinGen allele CA349025295.